The following is an entry in ClinVar:

NM_001903.5(CTNNA1):c.403G>A (p.Val135Ile)

Gene: CTNNA1 (catenin alpha 1; plus strand). Cytogenetic location: 5q31.2.
Variant type: single nucleotide variant.
Coding change: c.403G>A on transcript NM_001903.5 (MANE Select); coding-DNA position 403, G replaced by A.
Protein change: p.Val135Ile; replaces valine 135 with isoleucine.
Molecular consequence: missense variant.
Genome position (GRCh38, 1-based): chr5:138,810,139, G>A. VCF-style: chr5-138810139-G-A. GRCh37 (hg19) VCF-style: chr5-138145828-G-A.
Other names: p.Val135Ile; c.403G>A, p.Val135Ile (NM_001290307.3, NM_001323986.2, NM_001323982.2 and 3 more transcripts); c.94G>A, p.Val32Ile (NM_001290309.3); c.34G>A, p.Val12Ile (NM_001290310.3); short protein forms V135I, V32I, V12I.
Identifiers: ClinVar variation 662222 (VCV000662222.16), dbSNP rs777986786, ClinGen allele CA3431434.

ClinVar aggregate classification (germline): Uncertain significance. Review status: criteria provided, multiple submitters, no conflicts (2 of 4 stars). 4 submissions from 4 submitters: Uncertain significance (4). Last evaluated 2026-01-13.

Conditions:
Hereditary cancer-predisposing syndrome. Also called: Neoplastic Syndromes, Hereditary; Tumor predisposition; Hereditary neoplastic syndrome; Hereditary Cancer Syndrome. Identifiers: Orphanet 140162, MedGen C0027672, MeSH D009386, MONDO:0015356.

Allele frequency attached by ClinVar (database versions not stated): gnomAD 0.00001 and 0.00003; gnomAD exomes 0.00001 and 0.00002; TOPMed 0.00002; ExAC 0.00003.
gnomAD v4.1: 10 of 1,614,076 alleles (0.00062%); highest among the groups gnomAD compares: Non-Finnish European, 0.00051%; no homozygotes.

Submissions (4):

Labcorp Genetics (formerly Invitae), Labcorp
Classification: Uncertain significance. Last evaluated: 2026-01-13. Review status: criteria provided, single submitter. Criteria: Invitae Variant Classification Sherloc (09022015). Collection method: clinical testing. Allele origin: germline.
Comment: This sequence change replaces valine, which is neutral and non-polar, with isoleucine, which is neutral and non-polar, at codon 135 of the CTNNA1 protein (p.Val135Ile). This variant is present in population databases (rs777986786, gnomAD 0.008%). This variant has not been reported in the literature in individuals affected with CTNNA1-related conditions. ClinVar contains an entry for this variant (Variation ID: 662222). Invitae Evidence Modeling of protein sequence and biophysical properties (such as structural, functional, and spatial information, amino acid conservation, physicochemical variation, residue mobility, and thermodynamic stability) indicates that this missense variant is not expected to disrupt CTNNA1 protein function with a negative predictive value of 80%. In summary, the available evidence is currently insufficient to determine the role of this variant in disease. Therefore, it has been classified as a Variant of Uncertain Significance.

Mayo Clinic Laboratories, Mayo Clinic
Classification: Uncertain significance. Last evaluated: 2025-05-08. Review status: criteria provided, single submitter. Criteria: ACMG Guidelines, 2015. Collection method: clinical testing. Allele origin: germline. Observed: 1 variant allele.

Ambry Genetics
Classification: Uncertain significance for Hereditary cancer-predisposing syndrome. Last evaluated: 2024-07-15. Review status: criteria provided, single submitter. Criteria: Ambry Variant Classification Scheme 2023. Collection method: clinical testing. Allele origin: germline.
Comment: The p.V135I variant (also known as c.403G>A), located in coding exon 3 of the CTNNA1 gene, results from a G to A substitution at nucleotide position 403. The valine at codon 135 is replaced by isoleucine, an amino acid with highly similar properties. This amino acid position is highly conserved in available vertebrate species. In addition, the in silico prediction for this alteration is inconclusive. The evidence for this gene-disease relationship is limited; therefore, the clinical significance of this alteration is unclear.

Breakthrough Genomics
Classification: Uncertain significance. Review status: criteria provided, single submitter. Criteria: ACMG Guidelines, 2015. Collection method: not provided. Allele origin: germline. Inheritance: Autosomal dominant inheritance. Affected: yes.

Literature cited by the submitters: PubMed 32051609 (cited by Ambry Genetics).